The following is an entry in ClinVar:

NM_033380.3(COL4A5):c.4154G>T (p.Gly1385Val)

Gene: COL4A5 (collagen type IV alpha 5 chain; plus strand). Cytogenetic location: Xq22.3.
Variant type: single nucleotide variant.
Coding change: c.4154G>T on transcript NM_033380.3 (MANE Select); coding-DNA position 4154, G replaced by T.
Protein change: p.Gly1385Val; replaces glycine 1385 with valine.
Molecular consequence: missense variant.
Genome position (GRCh38, 1-based): chrX:108,681,826, G>T. VCF-style: chrX-108681826-G-T. GRCh37 (hg19) VCF-style: chrX-107925056-G-T.
Other names: c.4136G>T, p.Gly1379Val (NM_000495.5); c.4154G>T (NM_033380.2); short protein forms G1379V, G1385V.
Identifiers: ClinVar variation 3255212 (VCV003255212.2), dbSNP rs104886269.

ClinVar aggregate classification (germline): Likely pathogenic (1 of 4 stars; one submission).

Conditions:
X-linked Alport syndrome (ATS1). Also called: COL4A5-Related Nephropathy; NEPHROPATHY AND DEAFNESS, X-LINKED. Identifiers: Orphanet 63, Orphanet 88917, MedGen C4746986, MONDO:0010520, OMIM 301050.

Submission:

Victorian Clinical Genetics Services, Murdoch Childrens Research Institute
Classification: Likely pathogenic for X-linked Alport syndrome. Last evaluated: 2024-09-21. Review status: criteria provided, single submitter. Criteria: ACMG Guidelines, 2015. Collection method: clinical testing. Allele origin: germline. Inheritance: X-linked dominant inheritance. Affected: yes.
Comment: Based on the classification scheme VCGS_Germline_v1.3.4, this variant is classified as Likely Pathogenic. Following criteria are met: 0103 - Dominant negative and loss of function are known mechanisms of disease in this gene and are associated with X-linked Alport syndrome 1 (MIM#301050). Dominant negative is caused mostly by glycine substitutions that affect the conformation of the protein, and loss of function can be caused by either protein truncating or missense variants (PMID: 24046192, 12028435). (I) 0110 - This gene is associated with X-linked dominant disease. Males are typically more severely affected than females (PMID: 19965530). (I) 0115 - Variants in this gene are known to have variable expressivity. There is intrafamilial variability among affected carrier females, possibly due to variable X-inactivation (PMID: 14514738). (I) 0200 - Variant is predicted to result in a missense amino acid change from glycine to valine. (I) 0253 - This variant is hemizygous. (I) 0301 - Variant is absent from gnomAD (both v2 and v3). (SP) 0501 - Missense variant consistently predicted to be damaging by multiple in silico tools or highly conserved with a major amino acid change. (SP) 0601 - Variant is located in the well-established functional glycine change within the essential Gly-X-Y repeat (DECIPHER). (SP) 0705 - No comparable missense variants have previous evidence for pathogenicity. (I) 0803 - This variant has limited previous evidence of pathogenicity in an unrelated individual with X-linked Alport syndrome (PMID: 8651296). (SP) 0905 - No published segregation evidence has been identified for this variant. (I) 1007 - No published functional evidence has been identified for this variant. (I) 1208 - Inheritance information for this variant is not currently available in this individual. (I) Legend: (SP) - Supporting pathogenic, (I) - Information, (SB) - Supporting benign

Literature cited by the submitters: PubMed 8651296; PubMed 12028435; PubMed 14514738; PubMed 19965530; PubMed 24046192.